The following is an entry in ClinVar:

ClinVar aggregate classification (germline): Benign/Likely benign. Review status: criteria provided, multiple submitters, no conflicts (2 of 4 stars). 8 submissions from 8 submitters: Benign (4); Likely benign (3). 1 of the submissions does not count toward it. Last evaluated 2026-04-01.

Conditions:
GRIN2B-related disorder. Also called: GRIN2B-related condition.
Inborn genetic diseases. Identifiers: MedGen C0950123, MeSH D030342.
Intellectual developmental disorder, autosomal dominant 6, with or without seizures. Also called: Intellectual disability, autosomal dominant 6; GRIN2B-related developmental delay, intellectual disability and autism spectrum disorder. Identifiers: Orphanet 589547, MedGen C3151411, MONDO:0013509, OMIM 613970.
Developmental and epileptic encephalopathy, 27 (DEE27). Also called: Epileptic encephalopathy, early infantile, 27; GRIN2B-Related Neurodevelopmental Disorder. Identifiers: Orphanet 3451, MedGen C4015316, MONDO:0014505, OMIM 616139.

Allele frequency attached by ClinVar (database versions not stated): 1000 Genomes Project 0.00060; 1000 Genomes Project 30x 0.00062; TOPMed 0.00111; gnomAD 0.00206; gnomAD exomes 0.00207; ESP Exome Variant Server 0.00254.
gnomAD v4.1: 3,517 of 1,613,404 alleles (0.22%); highest among the groups gnomAD compares: Non-Finnish European, 0.22%; 15 homozygotes.

Submissions (8):

CeGaT Center for Human Genetics Tuebingen
Classification: Likely benign. Last evaluated: 2026-04-01. Review status: criteria provided, single submitter. Criteria: CeGaT Center For Human Genetics Tuebingen Variant Classification Criteria Version 2. Collection method: clinical testing. Allele origin: germline. Affected: yes. Observed: 17 variant alleles.
Comment: GRIN2B: BP4, BP7, BS1

Labcorp Genetics (formerly Invitae), Labcorp
Classification: Benign for Developmental and epileptic encephalopathy, 27; Intellectual developmental disorder, autosomal dominant 6, with or without seizures. Last evaluated: 2026-02-03. Review status: criteria provided, single submitter. Criteria: Invitae Variant Classification Sherloc (09022015). Collection method: clinical testing. Allele origin: germline.

Blueprint Genetics
Classification: Likely benign. Last evaluated: 2024-11-20. Review status: criteria provided, single submitter. Criteria: ACMG Guidelines, 2015. Collection method: clinical testing. Allele origin: germline.

Athena Diagnostics
Classification: Benign. Last evaluated: 2017-10-17. Review status: criteria provided, single submitter. Criteria: Athena Diagnostics Criteria. Collection method: clinical testing. Allele origin: germline.

Genetic Services Laboratory, University of Chicago
Classification: Benign. Last evaluated: 2017-08-17. Review status: criteria provided, single submitter. Criteria: ACMG Guidelines, 2015. Collection method: clinical testing. Allele origin: germline. Affected: no.

Ambry Genetics
Classification: Likely benign for Inborn genetic diseases. Last evaluated: 2016-07-26. Review status: criteria provided, single submitter. Criteria: Ambry Variant Classification Scheme 2023. Collection method: clinical testing. Allele origin: germline.

GeneDx
Classification: Benign. Last evaluated: 2014-06-12. Review status: criteria provided, single submitter. Criteria: GeneDx Variant Classification (06012015). Collection method: clinical testing. Allele origin: germline. Affected: yes.
Comment: This variant is considered likely benign or benign based on one or more of the following criteria: it is a conservative change, it occurs at a poorly conserved position in the protein, it is predicted to be benign by multiple in silico algorithms, and/or has population frequency not consistent with disease.

PreventionGenetics, part of Exact Sciences
Classification: Likely benign for GRIN2B-related condition. Last evaluated: 2024-09-25. Review status: no assertion criteria provided. Collection method: clinical testing. Allele origin: germline. Not counted in ClinVar's aggregate classification.
Comment: This variant is classified as likely benign based on ACMG/AMP sequence variant interpretation guidelines (Richards et al. 2015 PMID: 25741868, with internal and published modifications).

NM_000834.5(GRIN2B):c.3552C>T (p.Gly1184=)

Gene: GRIN2B (glutamate ionotropic receptor NMDA type subunit 2B; minus strand). Cytogenetic location: 12p13.1.
Variant type: single nucleotide variant.
Coding change: c.3552C>T on transcript NM_000834.5 (MANE Select); coding-DNA position 3552, C replaced by T.
Protein change: p.Gly1184=; no amino-acid change (glycine 1184 retained).
Molecular consequence: synonymous variant.
Genome position (GRCh38, 1-based): chr12:13,563,686, G>A on the plus strand (C>T on the coding strand, the complement: GRIN2B is on the minus strand). VCF-style: chr12-13563686-G-A. GRCh37 (hg19) VCF-style: chr12-13716620-G-A.
Other names: p.G1184G:GGC>GGT.
Identifiers: ClinVar variation 205703 (VCV000205703.54), dbSNP rs141886903, ClinGen allele CA315035.